The following is an entry in ClinVar:

ClinVar aggregate classification (germline): Conflicting classifications of pathogenicity. Review status: criteria provided, conflicting classifications (1 of 4 stars). 2 submissions from 2 submitters: Pathogenic (1); Uncertain significance (1). Last evaluated 2026-07-27.

Conditions:
Autosomal recessive limb-girdle muscular dystrophy type 2E (LGMDR4). Also called: MUSCULAR DYSTROPHY, LIMB-GIRDLE, AUTOSOMAL RECESSIVE 4. Identifiers: Orphanet 119, MedGen C1858593, MONDO:0011423, OMIM 604286. Disease mechanism: Affects gamma-sarcoglycan and also disrupts the integrity of the entire sarcoglycan complex..

Allele frequency attached by ClinVar (database versions not stated): gnomAD exomes below 0.00001.

Submissions (2):

Myriad Genetics, Inc.
Classification: Pathogenic for Autosomal recessive limb-girdle muscular dystrophy type 2E. Last evaluated: 2026-07-27. Review status: criteria provided, single submitter. Criteria: Myriad Autosomal Dominant, Autosomal Recessive and X-Linked Classification Criteria (2023). Collection method: clinical testing. Allele origin: unknown.
Comment: NM_000232.4(SGCB):c.541_551del11(S181*) is a frameshift variant classified as pathogenic in the context of beta-sarcoglycanopathy. S181* has been observed in cases with relevant disease (PMID: 20623375). Relevant functional assessments of this variant are not available in the literature. S181* has not been observed in referenced population frequency databases. In summary, NM_000232.4(SGCB):c.541_551del11(S181*) is a frameshift variant in a gene where loss of function is a known mechanism of disease, is predicted to disrupt protein function, and has been observed more frequently in cases with the relevant disease than in healthy populations. Please note: this variant was assessed in the context of healthy population screening.

Genomic Medicine Center of Excellence, King Faisal Specialist Hospital and Research Centre
Classification: Uncertain significance for Autosomal recessive limb-girdle muscular dystrophy type 2E. Last evaluated: 2024-03-25. Review status: criteria provided, single submitter. Criteria: ACMG Guidelines, 2015. Collection method: clinical testing. Allele origin: germline.

Literature cited by the submitters: PubMed 20623375 (cited by Myriad Genetics, Inc.).

NM_000232.5(SGCB):c.541_551del (p.Phe180_Ser181insTer)

Gene: SGCB (sarcoglycan beta; minus strand). Cytogenetic location: 4q12.
Variant type: Deletion.
Coding change: c.541_551del on transcript NM_000232.5 (MANE Select); coding-DNA positions 541 to 551, 11 bases deleted (AGCACAGACTA).
Protein change: p.Phe180_Ser181insTer.
Molecular consequence: nonsense.
Genome position (GRCh38, 1-based): chr4:52,028,800-52,028,810, TAGTCTGTGCT deleted on the plus strand (AGCACAGACTA on the coding strand, the reverse complement: SGCB is on the minus strand). VCF-style (leftmost placement, unchanged base first): chr4-52028799-ATAGTCTGTGCT-A. GRCh37 (hg19) VCF-style: chr4-52894965-ATAGTCTGTGCT-A.
Identifiers: ClinVar variation 3065035 (VCV003065035.2), dbSNP rs2475221680, ClinGen allele CA2586973771.